The following is an entry in ClinVar:

ClinVar aggregate classification (germline): Uncertain significance (1 of 4 stars; one submission).

Conditions:
Cystic fibrosis (CF). Also called: MUCOVISCIDOSIS. Identifiers: Orphanet 586, MedGen C0010674, MONDO:0009061, OMIM 219700. Disease mechanism: loss of function.

Submission:

Ambry Genetics
Classification: Uncertain significance for Cystic fibrosis. Last evaluated: 2023-11-22. Review status: criteria provided, single submitter. Criteria: Ambry Variant Classification Scheme 2023. Collection method: clinical testing. Allele origin: germline.
Comment: The p.E1314A variant (also known as c.3941A>C), located in coding exon 24 of the CFTR gene, results from an A to C substitution at nucleotide position 3941. The glutamic acid at codon 1314 is replaced by alanine, an amino acid with dissimilar properties. This amino acid position is conserved. In addition, this alteration is predicted to be deleterious by in silico analysis. Since supporting evidence is limited at this time, the clinical significance of this alteration remains unclear.

NM_000492.4(CFTR):c.3941A>C (p.Glu1314Ala)

Gene: CFTR (CF transmembrane conductance regulator; plus strand). Cytogenetic location: 7q31.2.
Variant type: single nucleotide variant.
Coding change: c.3941A>C on transcript NM_000492.4 (MANE Select); coding-DNA position 3941, A replaced by C.
Protein change: p.Glu1314Ala; replaces glutamic acid 1314 with alanine.
Molecular consequence: missense variant.
Genome position (GRCh38, 1-based): chr7:117,652,909, A>C. VCF-style: chr7-117652909-A-C. GRCh37 (hg19) VCF-style: chr7-117292963-A-C.
Other names: short protein forms E1314A.
Identifiers: ClinVar variation 3231905 (VCV003231905.1), dbSNP rs2485171241, ClinGen allele CA368978563.